The following is an entry in ClinVar:

NM_004168.4(SDHA):c.965A>C (p.Gln322Pro)

Gene: SDHA (succinate dehydrogenase complex flavoprotein subunit A; plus strand). Cytogenetic location: 5p15.33.
Variant type: single nucleotide variant.
Coding change: c.965A>C on transcript NM_004168.4 (MANE Select); coding-DNA position 965, A replaced by C.
Protein change: p.Gln322Pro; replaces glutamine 322 with proline.
Molecular consequence: missense variant.
Genome position (GRCh38, 1-based): chr5:233,546, A>C. VCF-style: chr5-233546-A-C. GRCh37 (hg19) VCF-style: chr5-233661-A-C.
Other names: c.965A>C (NM_004168.2); c.821A>C, p.Gln274Pro (NM_001294332.2); c.965A>C, p.Gln322Pro (NM_001330758.2); short protein forms Q322P, Q274P.
Identifiers: ClinVar variation 539683 (VCV000539683.7), dbSNP rs1553998989, ClinGen allele CA359012705.

ClinVar aggregate classification (germline): Uncertain significance. Review status: criteria provided, multiple submitters, no conflicts (2 of 4 stars). 2 submissions from 2 submitters: Uncertain significance (2). Last evaluated 2024-08-12.

Conditions:
Mitochondrial complex II deficiency, nuclear type 1. Also called: SUCCINATE CoQ REDUCTASE DEFICIENCY. Identifiers: Orphanet 3208, MedGen C5700310, MONDO:0100294, OMIM 252011.
Pheochromocytoma/paraganglioma syndrome 5. Also called: Paragangliomas 5; SDHA-Related Hereditary Paraganglioma-Pheochromocytoma Syndrome. Identifiers: Orphanet 29072, MedGen C3279992, MONDO:0013602, OMIM 614165.
Hereditary cancer-predisposing syndrome. Also called: Neoplastic Syndromes, Hereditary; Tumor predisposition; Hereditary neoplastic syndrome; Hereditary Cancer Syndrome. Identifiers: Orphanet 140162, MedGen C0027672, MeSH D009386, MONDO:0015356.

Submissions (2):

Ambry Genetics
Classification: Uncertain significance for Hereditary cancer-predisposing syndrome. Last evaluated: 2024-08-12. Review status: criteria provided, single submitter. Criteria: Ambry Variant Classification Scheme 2023. Collection method: clinical testing. Allele origin: germline.
Comment: The p.Q322P variant (also known as c.965A>C), located in coding exon 8 of the SDHA gene, results from an A to C substitution at nucleotide position 965. The glutamine at codon 322 is replaced by proline, an amino acid with similar properties. This amino acid position is not well conserved in available vertebrate species. In addition, this alteration is predicted to be tolerated by in silico analysis. Based on the available evidence, the clinical significance of this variant remains unclear.

Labcorp Genetics (formerly Invitae), Labcorp
Classification: Uncertain significance for Pheochromocytoma/paraganglioma syndrome 5; Mitochondrial complex II deficiency, nuclear type 1. Last evaluated: 2022-04-29. Review status: criteria provided, single submitter. Criteria: Invitae Variant Classification Sherloc (09022015). Collection method: clinical testing. Allele origin: germline.
Comment: In summary, the available evidence is currently insufficient to determine the role of this variant in disease. Therefore, it has been classified as a Variant of Uncertain Significance. Advanced modeling of protein sequence and biophysical properties (such as structural, functional, and spatial information, amino acid conservation, physicochemical variation, residue mobility, and thermodynamic stability) performed at Invitae indicates that this missense variant is not expected to disrupt SDHA protein function. ClinVar contains an entry for this variant (Variation ID: 539683). This missense change has been observed in individual(s) with left ventricular noncompaction (PMID: 33500567). This variant is not present in population databases (gnomAD no frequency). This sequence change replaces glutamine, which is neutral and polar, with proline, which is neutral and non-polar, at codon 322 of the SDHA protein (p.Gln322Pro).

Literature cited by the submitters: PubMed 33500567 (cited by Labcorp Genetics (formerly Invitae), Labcorp).